The following is an entry in ClinVar:

ClinVar aggregate classification (germline): Uncertain significance (1 of 4 stars; one submission).

Submission:

Dasa
Classification: Uncertain significance. Last evaluated: 2026-03-29. Review status: criteria provided, single submitter. Criteria: DASA Assertion Criteria. Collection method: clinical testing. Allele origin: germline.
Comment: NM_003590.5(CUL3):c.1363A>G (p.Ile455Val) is a missense variant that results in the substitution of isoleucine with valine. This variant is rare in population databases. The currently available literature and clinical evidence are not sufficient to establish a definitive association between this variant and the reported condition. Therefore, this variant is classified as a variant of uncertain significance.

NM_003590.5(CUL3):c.1363A>G (p.Ile455Val)

Gene: CUL3 (cullin 3; minus strand). Cytogenetic location: 2q36.2.
Variant type: single nucleotide variant.
Coding change: c.1363A>G on transcript NM_003590.5 (MANE Select); coding-DNA position 1363, A replaced by G.
Protein change: p.Ile455Val; replaces isoleucine 455 with valine.
Molecular consequence: missense variant.
Genome position (GRCh38, 1-based): chr2:224,503,666, T>C on the plus strand (A>G on the coding strand, the complement: CUL3 is on the minus strand). VCF-style: chr2-224503666-T-C. GRCh37 (hg19) VCF-style: chr2-225368383-T-C.
Other names: c.1165A>G, p.Ile389Val (NM_001257197.2); c.1381A>G, p.Ile461Val (NM_001257198.2); short protein forms I389V, I455V, I461V.
Identifiers: ClinVar variation 4885376 (VCV004885376.2).
Genomic context (GRCh38, chr2:224,503,666, plus strand): 5'-TAAACCTCAGTTAGGTGCACTCTATTTCATCTAAAACACACCTTACCTTTAACTTAGATA[T>C]CATGTTTTTTTCAGAGTCATCAGAAACACTTTTATTTGTGAGAAGTCTCCTTGCCAAGTG-3'
Protein context (NP_003581.1, residues 445-465): SVSDDSEKNM[Ile455Val]SKLKTECGCQ